The following is an entry in ClinVar:

NM_001042492.3(NF1):c.6889G>A (p.Ala2297Thr)

Gene: NF1 (neurofibromin 1; plus strand). Cytogenetic location: 17q11.2.
Variant type: single nucleotide variant.
Coding change: c.6889G>A on transcript NM_001042492.3 (MANE Select); coding-DNA position 6889, G replaced by A.
Protein change: p.Ala2297Thr; replaces alanine 2297 with threonine.
Molecular consequence: missense variant.
Genome position (GRCh38, 1-based): chr17:31,338,773, G>A. VCF-style: chr17-31338773-G-A. GRCh37 (hg19) VCF-style: chr17-29665791-G-A.
Other names: c.6826G>A, p.Ala2276Thr (NM_000267.4); short protein forms A2276T, A2297T.
Identifiers: ClinVar variation 1052128 (VCV001052128.6), dbSNP rs2151559310, ClinGen allele CA399014389.

ClinVar aggregate classification (germline): Uncertain significance. Review status: criteria provided, multiple submitters, no conflicts (2 of 4 stars). 2 submissions from 2 submitters: Uncertain significance (2). Last evaluated 2024-11-04.

Conditions:
Neurofibromatosis, type 1 (NF1). Also called: Neurofibromatosis, type I; NEUROFIBROMATOSIS, TYPE I, SOMATIC; VON RECKLINGHAUSEN DISEASE; Peripheral type neurofibromatosis. Identifiers: Orphanet 636, MedGen C0027831, MONDO:0018975, OMIM 162200. Disease mechanism: loss of function.

Submissions (2):

Labcorp Genetics (formerly Invitae), Labcorp
Classification: Uncertain significance for Neurofibromatosis, type 1. Last evaluated: 2024-11-04. Review status: criteria provided, single submitter. Criteria: Invitae Variant Classification Sherloc (09022015). Collection method: clinical testing. Allele origin: germline.
Comment: This sequence change replaces alanine, which is neutral and non-polar, with threonine, which is neutral and polar, at codon 2276 of the NF1 protein (p.Ala2276Thr). This variant is not present in population databases (gnomAD no frequency). This variant has not been reported in the literature in individuals affected with NF1-related conditions. ClinVar contains an entry for this variant (Variation ID: 1052128). Invitae Evidence Modeling of protein sequence and biophysical properties (such as structural, functional, and spatial information, amino acid conservation, physicochemical variation, residue mobility, and thermodynamic stability) indicates that this missense variant is not expected to disrupt NF1 protein function with a negative predictive value of 95%. In summary, the available evidence is currently insufficient to determine the role of this variant in disease. Therefore, it has been classified as a Variant of Uncertain Significance.

Blueprint Genetics
Classification: Uncertain significance. Last evaluated: 2023-03-03. Review status: criteria provided, single submitter. Criteria: ACMG Guidelines, 2015. Collection method: clinical testing. Allele origin: germline.